The following is an entry in ClinVar:

ClinVar aggregate classification (germline): Uncertain significance (1 of 4 stars; one submission).

gnomAD v4.1: 6 of 1,614,222 alleles (0.00037%); highest among the groups gnomAD compares: Non-Finnish European, 0.00051%; no homozygotes.

Submission:

Labcorp Genetics (formerly Invitae), Labcorp
Classification: Uncertain significance. Last evaluated: 2025-11-23. Review status: criteria provided, single submitter. Criteria: Invitae Variant Classification Sherloc (09022015). Collection method: clinical testing. Allele origin: germline.
Comment: This sequence change replaces isoleucine, which is neutral and non-polar, with methionine, which is neutral and non-polar, at codon 307 of the LIPG protein (p.Ile307Met). This variant is not present in population databases (gnomAD no frequency). This variant has not been reported in the literature in individuals affected with LIPG-related conditions. An algorithm developed to predict the effect of missense changes on protein structure and function (PolyPhen-2) suggests that this variant is likely to be disruptive. In summary, the available evidence is currently insufficient to determine the role of this variant in disease. Therefore, it has been classified as a Variant of Uncertain Significance.

NM_006033.4(LIPG):c.921C>G (p.Ile307Met)

Gene: LIPG (lipase G, endothelial type; plus strand). Cytogenetic location: 18q21.1.
Variant type: single nucleotide variant.
Coding change: c.921C>G on transcript NM_006033.4 (MANE Select); coding-DNA position 921, C replaced by G.
Protein change: p.Ile307Met; replaces isoleucine 307 with methionine.
Molecular consequence: missense variant.
Genome position (GRCh38, 1-based): chr18:49,581,542, C>G. VCF-style: chr18-49581542-C-G. GRCh37 (hg19) VCF-style: chr18-47107912-C-G.
Other names: c.699C>G, p.Ile233Met (NM_001308006.2); short protein forms I307M, I233M.
Identifiers: ClinVar variation 4690522 (VCV004690522.1).